The following is an entry in ClinVar:

NM_000193.4(SHH):c.286A>G (p.Arg96Gly)

Gene: SHH (sonic hedgehog signaling molecule; minus strand). Cytogenetic location: 7q36.3.
Variant type: single nucleotide variant.
Coding change: c.286A>G on transcript NM_000193.4 (MANE Select); coding-DNA position 286, A replaced by G.
Protein change: p.Arg96Gly; replaces arginine 96 with glycine.
Molecular consequence: missense variant.
Genome position (GRCh38, 1-based): chr7:155,811,837, T>C on the plus strand (A>G on the coding strand, the complement: SHH is on the minus strand). VCF-style: chr7-155811837-T-C. GRCh37 (hg19) VCF-style: chr7-155604531-T-C.
Other names: short protein forms R96G.
Identifiers: ClinVar variation 3027107 (VCV003027107.22), dbSNP rs2535910278, ClinGen allele CA370150990.

ClinVar aggregate classification (germline): Uncertain significance (1 of 4 stars; one submission).

Submission:

CeGaT Center for Human Genetics Tuebingen
Classification: Uncertain significance. Last evaluated: 2024-02-01. Review status: criteria provided, single submitter. Criteria: CeGaT Center For Human Genetics Tuebingen Variant Classification Criteria Version 2. Collection method: clinical testing. Allele origin: germline. Affected: yes. Observed: 1 variant allele.
Comment: SHH: PM2, PP2, PP3